The following is an entry in ClinVar:

NM_001365088.1(SLC12A6):c.1550C>T (p.Pro517Leu)

Gene: SLC12A6 (solute carrier family 12 member 6; minus strand). Cytogenetic location: 15q14.
Variant type: single nucleotide variant.
Coding change: c.1550C>T on transcript NM_001365088.1 (MANE Select); coding-DNA position 1550, C replaced by T.
Protein change: p.Pro517Leu; replaces proline 517 with leucine.
Molecular consequence: missense variant.
Genome position (GRCh38, 1-based): chr15:34,250,672, G>A on the plus strand (C>T on the coding strand, the complement: SLC12A6 is on the minus strand). VCF-style: chr15-34250672-G-A. GRCh37 (hg19) VCF-style: chr15-34542873-G-A.
Other names: c.1373C>T, p.Pro458Leu (NM_001042494.2, NM_001042495.2); c.1523C>T, p.Pro508Leu (NM_001042496.2); c.1505C>T, p.Pro502Leu (NM_001042497.2); c.1397C>T, p.Pro466Leu (NM_005135.2); c.1550C>T, p.Pro517Leu (NM_133647.2); short protein forms P502L, P517L, P508L, P458L, P466L.
Identifiers: ClinVar variation 1919121 (VCV001919121.5), dbSNP rs779754943, ClinGen allele CA7464284.

ClinVar aggregate classification (germline): Uncertain significance (1 of 4 stars; one submission).

Allele frequency attached by ClinVar (database versions not stated): ExAC 0.00001.
gnomAD v4.1: 4 of 1,605,050 alleles (0.00025%); highest among the groups gnomAD compares: Non-Finnish European, 0.00034%; no homozygotes.

Submission:

Labcorp Genetics (formerly Invitae), Labcorp
Classification: Uncertain significance. Last evaluated: 2022-06-04. Review status: criteria provided, single submitter. Criteria: Invitae Variant Classification Sherloc (09022015). Collection method: clinical testing. Allele origin: germline.
Comment: This sequence change replaces proline, which is neutral and non-polar, with leucine, which is neutral and non-polar, at codon 517 of the SLC12A6 protein (p.Pro517Leu). This variant is present in population databases (rs779754943, gnomAD 0.0009%). This variant has not been reported in the literature in individuals affected with SLC12A6-related conditions. Advanced modeling of protein sequence and biophysical properties (such as structural, functional, and spatial information, amino acid conservation, physicochemical variation, residue mobility, and thermodynamic stability) performed at Invitae indicates that this missense variant is expected to disrupt SLC12A6 protein function. In summary, the available evidence is currently insufficient to determine the role of this variant in disease. Therefore, it has been classified as a Variant of Uncertain Significance.